The following is an entry in ClinVar:

ClinVar aggregate classification (germline): Uncertain significance. Review status: criteria provided, multiple submitters, no conflicts (2 of 4 stars). 2 submissions from 2 submitters: Uncertain significance (2). Last evaluated 2026-01-19.

gnomAD v4.1: 36 of 1,613,422 alleles (0.0022%); highest among the groups gnomAD compares: African/African-American, 0.031%; no homozygotes.

Submissions (2):

Labcorp Genetics (formerly Invitae), Labcorp
Classification: Uncertain significance. Last evaluated: 2026-01-19. Review status: criteria provided, single submitter. Criteria: Invitae Variant Classification Sherloc (09022015). Collection method: clinical testing. Allele origin: germline.
Comment: This sequence change replaces proline, which is neutral and non-polar, with leucine, which is neutral and non-polar, at codon 46 of the IL17RD protein (p.Pro46Leu). This variant is present in population databases (rs374561511, gnomAD 0.03%). This variant has not been reported in the literature in individuals affected with IL17RD-related conditions. ClinVar contains an entry for this variant (Variation ID: 3528612). An algorithm developed to predict the effect of missense changes on protein structure and function outputs the following: PolyPhen-2: "Benign". The leucine amino acid residue is found in multiple mammalian species, which suggests that this missense change does not adversely affect protein function. In summary, the available evidence is currently insufficient to determine the role of this variant in disease. Therefore, it has been classified as a Variant of Uncertain Significance.

Ambry Genetics
Classification: Uncertain significance. Last evaluated: 2024-08-27. Review status: criteria provided, single submitter. Criteria: Ambry Variant Classification Scheme 2023. Collection method: clinical testing. Allele origin: germline.

NM_017563.5(IL17RD):c.137C>T (p.Pro46Leu)

Gene: IL17RD (interleukin 17 receptor D; minus strand). Cytogenetic location: 3p14.3.
Variant type: single nucleotide variant.
Coding change: c.137C>T on transcript NM_017563.5 (MANE Select); coding-DNA position 137, C replaced by T.
Protein change: p.Pro46Leu; replaces proline 46 with leucine.
Molecular consequence: missense variant. On other transcripts: 5 prime UTR variant (1).
Genome position (GRCh38, 1-based): chr3:57,120,303, G>A on the plus strand (C>T on the coding strand, the complement: IL17RD is on the minus strand). VCF-style: chr3-57120303-G-A. GRCh37 (hg19) VCF-style: chr3-57154331-G-A.
Other names: c.-296C>T (NM_001318864.2); short protein forms P46L.
Identifiers: ClinVar variation 3528612 (VCV003528612.2).